The following is an entry in ClinVar:

ClinVar aggregate classification (germline): Uncertain significance. Review status: criteria provided, multiple submitters, no conflicts (2 of 4 stars). 6 submissions from 5 submitters: Uncertain significance (5). 1 of the submissions does not count toward it. Last evaluated 2024-12-17.

Conditions:
CNGB3-related disorder. Also called: CNGB3-related condition; CNGB3-related disorders. Identifiers: MedGen CN239340.
Severe early-childhood-onset retinal dystrophy (STGD1). Also called: STGD; Stargardt macular dystrophy; Juvenile onset macular degeneration; Stargardt disease 1; MACULAR DYSTROPHY WITH FLECKS, TYPE 1. Identifiers: Orphanet 364055, Orphanet 827, MedGen C1855465, MeSH D000080362, MONDO:0009549, OMIM 248200.
Achromatopsia. Also called: Rod monochromatism. Identifiers: Orphanet 49382, MedGen C0152200, MONDO:0018852, HP:0011516.
Achromatopsia 3 (ACHM3). Also called: PINGELAPESE BLINDNESS; TOTAL COLORBLINDNESS WITH MYOPIA; ROD MONOCHROMACY 1; ROD MONOCHROMATISM 1; ACHROMATOPSIA WITH MYOPIA. Identifiers: Orphanet 49382, MedGen C1849792, MONDO:0009875, OMIM 262300.

Allele frequency attached by ClinVar (database versions not stated): ExAC 0.00004; gnomAD 0.00005 and 0.00004; gnomAD exomes 0.00002; ESP Exome Variant Server 0.00008; TOPMed 0.00004.
gnomAD v4.1: 65 of 1,613,890 alleles (0.004%); highest among the groups gnomAD compares: Middle Eastern, 0.017%; no homozygotes.

Submissions (6):

PreventionGenetics, part of Exact Sciences
Classification: Uncertain significance for CNGB3-related condition. Last evaluated: 2024-12-17. Review status: criteria provided, single submitter. Criteria: ACMG Guidelines, 2015. Collection method: clinical testing. Allele origin: germline.
Comment: The CNGB3 c.739G>A variant is predicted to result in the amino acid substitution p.Ala247Thr. To our knowledge, this variant has not been reported in the literature. This variant is reported in 0.0029% of alleles in individuals of Latino descent in gnomAD. At this time, the clinical significance of this variant is uncertain due to the absence of conclusive functional and genetic evidence.

Labcorp Genetics (formerly Invitae), Labcorp
Classification: Uncertain significance. Last evaluated: 2024-10-16. Review status: criteria provided, single submitter. Criteria: Invitae Variant Classification Sherloc (09022015). Collection method: clinical testing. Allele origin: germline.
Comment: This sequence change replaces alanine, which is neutral and non-polar, with threonine, which is neutral and polar, at codon 247 of the CNGB3 protein (p.Ala247Thr). This variant is present in population databases (rs150490913, gnomAD 0.006%). This variant has not been reported in the literature in individuals affected with CNGB3-related conditions. ClinVar contains an entry for this variant (Variation ID: 363878). Invitae Evidence Modeling of protein sequence and biophysical properties (such as structural, functional, and spatial information, amino acid conservation, physicochemical variation, residue mobility, and thermodynamic stability) indicates that this missense variant is not expected to disrupt CNGB3 protein function with a negative predictive value of 95%. In summary, the available evidence is currently insufficient to determine the role of this variant in disease. Therefore, it has been classified as a Variant of Uncertain Significance.

Blueprint Genetics
Classification: Uncertain significance. Last evaluated: 2023-07-26. Review status: criteria provided, single submitter. Criteria: ACMG Guidelines, 2015. Collection method: clinical testing. Allele origin: germline.

Illumina Laboratory Services, Illumina
Classification: Uncertain significance for Severe early-childhood-onset retinal dystrophy. Last evaluated: 2018-01-13. Review status: criteria provided, single submitter. Criteria: ICSL Variant Classification Criteria 13 December 2019. Collection method: clinical testing. Allele origin: germline.

Illumina Laboratory Services, Illumina
Classification: Uncertain significance for Achromatopsia 3. Last evaluated: 2018-01-13. Review status: criteria provided, single submitter. Criteria: ICSL Variant Classification Criteria 13 December 2019. Collection method: clinical testing. Allele origin: germline.

Natera, Inc.
Classification: Uncertain significance for Achromatopsia. Last evaluated: 2019-10-28. Review status: no assertion criteria provided. Collection method: clinical testing. Allele origin: germline. Not counted in ClinVar's aggregate classification.

NM_019098.5(CNGB3):c.739G>A (p.Ala247Thr)

Gene: CNGB3 (cyclic nucleotide gated channel subunit beta 3; minus strand). Cytogenetic location: 8q21.3.
Variant type: single nucleotide variant.
Coding change: c.739G>A on transcript NM_019098.5 (MANE Select); coding-DNA position 739, G replaced by A.
Protein change: p.Ala247Thr; replaces alanine 247 with threonine.
Molecular consequence: missense variant.
Genome position (GRCh38, 1-based): chr8:86,667,038, C>T on the plus strand (G>A on the coding strand, the complement: CNGB3 is on the minus strand). VCF-style: chr8-86667038-C-T. GRCh37 (hg19) VCF-style: chr8-87679266-C-T.
Other names: short protein forms A247T.
Identifiers: ClinVar variation 363878 (VCV000363878.13), dbSNP rs150490913, ClinGen allele CA4800286.